The following is an entry in ClinVar:

ClinVar aggregate classification (germline): Uncertain significance (1 of 4 stars; one submission).

Conditions:
Hereditary spastic paraplegia 31. Also called: SPASTIC PARAPLEGIA 31, AUTOSOMAL DOMINANT. Identifiers: Orphanet 101011, MedGen C1853247, MONDO:0012453, OMIM 610250.

Submission:

Labcorp Genetics (formerly Invitae), Labcorp
Classification: Uncertain significance for Hereditary spastic paraplegia 31. Last evaluated: 2019-05-10. Review status: criteria provided, single submitter. Criteria: Invitae Variant Classification Sherloc (09022015). Collection method: clinical testing. Allele origin: germline.
Comment: In summary, the available evidence is currently insufficient to determine the role of this variant in disease. Therefore, it has been classified as a Variant of Uncertain Significance. This variant has not been reported in the literature in individuals with REEP1-related conditions. This variant is not present in population databases (ExAC no frequency). This sequence change replaces valine with leucine at codon 119 of the REEP1 protein (p.Val119Leu). The valine residue is moderately conserved and there is a small physicochemical difference between valine and leucine. Algorithms developed to predict the effect of missense changes on protein structure and function (SIFT, PolyPhen-2, Align-GVGD) all suggest that this variant is likely to be tolerated, but these predictions have not been confirmed by published functional studies and their clinical significance is uncertain.

NM_001371279.1(REEP1):c.355G>T (p.Val119Leu)

Gene: REEP1 (receptor accessory protein 1; minus strand). Cytogenetic location: 2p11.2.
Variant type: single nucleotide variant.
Coding change: c.355G>T on transcript NM_001371279.1 (MANE Select); coding-DNA position 355, G replaced by T.
Protein change: p.Val119Leu; replaces valine 119 with leucine.
Molecular consequence: missense variant. On other transcripts: intron variant (1).
Genome position (GRCh38, 1-based): chr2:86,252,019, C>A on the plus strand (G>T on the coding strand, the complement: REEP1 is on the minus strand). VCF-style: chr2-86252019-C-A. GRCh37 (hg19) VCF-style: chr2-86479142-C-A.
Other names: c.376G>T, p.Val126Leu (NM_001164730.2); c.274G>T, p.Val92Leu (NM_001164731.2); c.355G>T, p.Val119Leu (NM_001371280.1, NM_022912.3); c.182+11946G>T (NM_001164732.2); short protein forms V126L, V92L, V119L.
Identifiers: ClinVar variation 944002 (VCV000944002.9), dbSNP rs1676309660, ClinGen allele CA347716168.